The following is an entry in ClinVar:

NM_016222.4(DDX41):c.302G>A (p.Arg101His)

Gene: DDX41 (DEAD-box helicase 41; minus strand). Cytogenetic location: 5q35.3.
Variant type: single nucleotide variant.
Coding change: c.302G>A on transcript NM_016222.4 (MANE Select); coding-DNA position 302, G replaced by A.
Protein change: p.Arg101His; replaces arginine 101 with histidine.
Molecular consequence: missense variant. On other transcripts: 5 prime UTR variant (2).
Genome position (GRCh38, 1-based): chr5:177,516,190, C>T on the plus strand (G>A on the coding strand, the complement: DDX41 is on the minus strand). VCF-style: chr5-177516190-C-T. GRCh37 (hg19) VCF-style: chr5-176943191-C-T.
Other names: c.-77G>A (NM_001321732.2, NM_001321830.2); short protein forms R101H.
Identifiers: ClinVar variation 2823336 (VCV002823336.3), dbSNP rs1761222979, ClinGen allele CA362376930.

ClinVar aggregate classification (germline): Uncertain significance (1 of 4 stars; one submission).

gnomAD v4.1: 1 of 1,614,100 alleles (0.000062%); highest among the groups gnomAD compares: Non-Finnish European, 0.000085%; no homozygotes.

Submission:

Labcorp Genetics (formerly Invitae), Labcorp
Classification: Uncertain significance. Last evaluated: 2022-12-22. Review status: criteria provided, single submitter. Criteria: Invitae Variant Classification Sherloc (09022015). Collection method: clinical testing. Allele origin: germline.
Comment: In summary, the available evidence is currently insufficient to determine the role of this variant in disease. Therefore, it has been classified as a Variant of Uncertain Significance. Algorithms developed to predict the effect of missense changes on protein structure and function are either unavailable or do not agree on the potential impact of this missense change (SIFT: "Not Available"; PolyPhen-2: "Possibly Damaging"; Align-GVGD: "Not Available"). This variant has not been reported in the literature in individuals affected with DDX41-related conditions. This variant is not present in population databases (gnomAD no frequency). This sequence change replaces arginine, which is basic and polar, with histidine, which is basic and polar, at codon 101 of the DDX41 protein (p.Arg101His).